The following is an entry in ClinVar:

NM_001037.5(SCN1B):c.371A>G (p.Tyr124Cys)

Gene: SCN1B (sodium voltage-gated channel beta subunit 1; plus strand). Cytogenetic location: 19q13.11.
Variant type: single nucleotide variant.
Coding change: c.371A>G on transcript NM_001037.5 (MANE Select); coding-DNA position 371, A replaced by G.
Protein change: p.Tyr124Cys; replaces tyrosine 124 with cysteine.
Molecular consequence: missense variant.
Genome position (GRCh38, 1-based): chr19:35,033,662, A>G. VCF-style: chr19-35033662-A-G. GRCh37 (hg19) VCF-style: chr19-35524566-A-G.
Other names: c.272A>G, p.Tyr91Cys (NM_001321605.2); c.371A>G, p.Tyr124Cys (NM_199037.5); short protein forms Y91C, Y124C.
Identifiers: ClinVar variation 3653320 (VCV003653320.2).

ClinVar aggregate classification (germline): Uncertain significance (1 of 4 stars; one submission).

Conditions:
Brugada syndrome 5 (BRGDA5). Identifiers: Orphanet 130, Orphanet 871, MedGen C2748541, MONDO:0013015, OMIM 612838.

Submission:

Labcorp Genetics (formerly Invitae), Labcorp
Classification: Uncertain significance for Brugada syndrome 5. Last evaluated: 2024-05-14. Review status: criteria provided, single submitter. Criteria: Invitae Variant Classification Sherloc (09022015). Collection method: clinical testing. Allele origin: germline.
Comment: This sequence change replaces tyrosine, which is neutral and polar, with cysteine, which is neutral and slightly polar, at codon 124 of the SCN1B protein (p.Tyr124Cys). This variant is not present in population databases (gnomAD no frequency). This variant has not been reported in the literature in individuals affected with SCN1B-related conditions. An algorithm developed to predict the effect of missense changes on protein structure and function (PolyPhen-2) suggests that this variant is likely to be disruptive. In summary, the available evidence is currently insufficient to determine the role of this variant in disease. Therefore, it has been classified as a Variant of Uncertain Significance.